The following is an entry in ClinVar:

ClinVar aggregate classification (germline): Uncertain significance (1 of 4 stars; one submission).

gnomAD v4.1: 4 of 1,613,888 alleles (0.00025%); highest among the groups gnomAD compares: Non-Finnish European, 0.00034%; no homozygotes.

Submission:

GeneDx
Classification: Uncertain significance. Last evaluated: 2022-08-31. Review status: criteria provided, single submitter. Criteria: GeneDx Variant Classification Process June 2021. Collection method: clinical testing. Allele origin: germline. Affected: yes.
Comment: Has not been previously published as pathogenic or benign to our knowledge; Not observed at significant frequency in large population cohorts (gnomAD); In silico analysis supports that this missense variant has a deleterious effect on protein structure/function; Although located in a calcium-binding EGF-like domain of the FBN2 gene, it does not substitute or introduce a cysteine residue (Callewaert et al., 2009; Frederic et al., 2009); Not located within exons 24-33, where the majority of pathogenic variants reported to date occur (Callewaert et al., 2009, Frederic et al., 2009); This variant is associated with the following publications: (PMID: 19006240, 18767143)

NM_001999.4(FBN2):c.6760A>T (p.Ile2254Phe)

Gene: FBN2 (fibrillin 2; minus strand). Cytogenetic location: 5q23.3.
Variant type: single nucleotide variant.
Coding change: c.6760A>T on transcript NM_001999.4 (MANE Select); coding-DNA position 6760, A replaced by T.
Protein change: p.Ile2254Phe; replaces isoleucine 2254 with phenylalanine.
Molecular consequence: missense variant.
Genome position (GRCh38, 1-based): chr5:128,287,428, T>A on the plus strand (A>T on the coding strand, the complement: FBN2 is on the minus strand). VCF-style: chr5-128287428-T-A. GRCh37 (hg19) VCF-style: chr5-127623120-T-A.
Other names: short protein forms I2254F.
Identifiers: ClinVar variation 2442655 (VCV002442655.1), dbSNP rs1470064554, ClinGen allele CA360759861.
Genomic context (GRCh38, chr5:128,287,428, plus strand): 5'-ACCCAAAAGTGTTCATGCAGCGGAAAGCACACAGCAGTGGGTTCTGGGCACATTCGTTGA[T>A]ATCTGACCAAAGGAATGGACAGGAATGTGCTCAGCCTAGAGTTCTAATTATTTGTGTAAC-3'
Protein context (NP_001990.2, residues 2244-2264): EPGPMMNCED[Ile2254Phe]NECAQNPLLC